The following is an entry in ClinVar:

ClinVar aggregate classification (germline): Uncertain significance (1 of 4 stars; one submission).

Conditions:
3-methylglutaconic aciduria type 5. Also called: MGA, TYPE V; 3 alpha methylglutaconic aciduria type V; MGA 5; CARDIOMYOPATHY, DILATED, WITH ATAXIA. Identifiers: Orphanet 66634, MedGen C1857776, MONDO:0012435, OMIM 610198.

Submission:

Labcorp Genetics (formerly Invitae), Labcorp
Classification: Uncertain significance for 3-methylglutaconic aciduria type 5. Last evaluated: 2021-04-28. Review status: criteria provided, single submitter. Criteria: Invitae Variant Classification Sherloc (09022015). Collection method: clinical testing. Allele origin: germline.
Comment: This sequence change falls in intron 2 of the DNAJC19 gene. It does not directly change the encoded amino acid sequence of the DNAJC19 protein. It affects a nucleotide within the consensus splice site of the intron. This variant is not present in population databases (ExAC no frequency). This variant has not been reported in the literature in individuals with DNAJC19-related conditions. Nucleotide substitutions within the consensus splice site are a relatively common cause of aberrant splicing (PMID: 17576681, 9536098). Algorithms developed to predict the effect of sequence changes on RNA splicing suggest that this variant may disrupt the consensus splice site, but this prediction has not been confirmed by published transcriptional studies. In summary, the available evidence is currently insufficient to determine the role of this variant in disease. Therefore, it has been classified as a Variant of Uncertain Significance.

Literature cited by the submitters: PubMed 17576681; PubMed 9536098.

NM_145261.4(DNAJC19):c.55+5G>C

Gene: DNAJC19 (DnaJ heat shock protein family (Hsp40) member C19; minus strand). Cytogenetic location: 3q26.33.
Variant type: single nucleotide variant.
Coding change: c.55+5G>C on transcript NM_145261.4 (MANE Select); 5 bases into the intron after coding-DNA position 55, G replaced by C.
Molecular consequence: intron variant.
Genome position (GRCh38, 1-based): chr3:180,988,173, C>G on the plus strand (G>C on the coding strand, the complement: DNAJC19 is on the minus strand). VCF-style: chr3-180988173-C-G. GRCh37 (hg19) VCF-style: chr3-180705961-C-G.
Other names: c.-21+5G>C (NM_001190233.2).
Identifiers: ClinVar variation 1352732 (VCV001352732.3), dbSNP rs1454974888, ClinGen allele CA903453415.